The following is an entry in ClinVar:

ClinVar aggregate classification (germline): Benign. Review status: criteria provided, multiple submitters, no conflicts (2 of 4 stars). 8 submissions from 8 submitters: Benign (8). Last evaluated 2026-02-04.

Conditions:
Congenital myasthenic syndrome 8. Also called: Myasthenic syndrome, congenital, 8, with pre- and postsynaptic defects; MYASTHENIC SYNDROME, CONGENITAL, DUE TO AGRIN DEFICIENCY. Identifiers: Orphanet 590, MedGen C3808739, MONDO:0014052, OMIM 615120.

Allele frequency attached by ClinVar (database versions not stated): ESP Exome Variant Server 0.45863; gnomAD 0.49370 and 0.50332; TOPMed 0.50263; 1000 Genomes Project 30x 0.53779; 1000 Genomes Project 0.54573; gnomAD exomes 0.57456 and 0.58833; ExAC 0.62948.
gnomAD v4.1: 882,740 of 1,556,060 alleles (57%); highest among the groups gnomAD compares: East Asian, 83%; 255,662 homozygotes.

Submissions (8):

Labcorp Genetics (formerly Invitae), Labcorp
Classification: Benign for Congenital myasthenic syndrome 8. Last evaluated: 2026-02-04. Review status: criteria provided, single submitter. Criteria: Invitae Variant Classification Sherloc (09022015). Collection method: clinical testing. Allele origin: germline.

Blueprint Genetics
Classification: Benign. Last evaluated: 2024-11-26. Review status: criteria provided, single submitter. Criteria: ACMG Guidelines, 2015. Collection method: clinical testing. Allele origin: germline.

Genome-Nilou Lab
Classification: Benign for Congenital myasthenic syndrome 8. Last evaluated: 2021-07-14. Review status: criteria provided, single submitter. Criteria: ACMG Guidelines, 2015. Collection method: clinical testing. Allele origin: germline. Affected: no.

Mayo Clinic Laboratories, Mayo Clinic
Classification: Benign. Last evaluated: 2017-07-21. Review status: criteria provided, single submitter. Criteria: ACMG Guidelines, 2015. Collection method: clinical testing. Allele origin: germline. Observed: 353 variant alleles.

GeneDx
Classification: Benign. Last evaluated: 2016-01-19. Review status: criteria provided, single submitter. Criteria: GeneDx Variant Classification (06012015). Collection method: clinical testing. Allele origin: germline. Affected: yes.
Comment: This variant is considered likely benign or benign based on one or more of the following criteria: it is a conservative change, it occurs at a poorly conserved position in the protein, it is predicted to be benign by multiple in silico algorithms, and/or has population frequency not consistent with disease.

Genetic Services Laboratory, University of Chicago
Classification: Benign for AllHighlyPenetrant. Last evaluated: 2013-08-15. Review status: criteria provided, single submitter. Criteria: ACMG Guidelines, 2007. Collection method: clinical testing. Allele origin: germline. Inheritance: Autosomal recessive inheritance.

Breakthrough Genomics
Classification: Benign. Review status: criteria provided, single submitter. Criteria: ACMG Guidelines, 2015. Collection method: not provided. Allele origin: germline. Inheritance: Autosomal recessive inheritance. Affected: yes.

PreventionGenetics, part of Exact Sciences
Classification: Benign. Review status: criteria provided, single submitter. Criteria: ACMG Guidelines, 2015. Collection method: clinical testing. Allele origin: germline.

NM_198576.4(AGRN):c.4161T>C (p.Thr1387=)

Gene: AGRN (agrin; plus strand). Cytogenetic location: 1p36.33.
Variant type: single nucleotide variant.
Coding change: c.4161T>C on transcript NM_198576.4 (MANE Select); coding-DNA position 4161, T replaced by C.
Protein change: p.Thr1387=; no amino-acid change (threonine 1387 retained).
Molecular consequence: synonymous variant.
Genome position (GRCh38, 1-based): chr1:1,048,922, T>C. VCF-style: chr1-1048922-T-C. GRCh37 (hg19) VCF-style: chr1-984302-T-C.
Other names: p.Thr1387=; c.4161T>C (LRG_198t1); c.4161T>C, p.Thr1387= (NM_001305275.2); c.3846T>C, p.Thr1282= (NM_001364727.2).
Identifiers: ClinVar variation 128307 (VCV000128307.21), dbSNP rs9442391, ClinGen allele CA151654.